The following is an entry in ClinVar:

NM_000059.4(BRCA2):c.7972T>C (p.Tyr2658His)

Gene: BRCA2 (BRCA2 DNA repair associated; plus strand). Cytogenetic location: 13q13.1.
Variant type: single nucleotide variant.
Coding change: c.7972T>C on transcript NM_000059.4 (MANE Select); coding-DNA position 7972, T replaced by C.
Protein change: p.Tyr2658His; replaces tyrosine 2658 with histidine.
Molecular consequence: missense variant.
Genome position (GRCh38, 1-based): chr13:32,362,689, T>C. VCF-style: chr13-32362689-T-C. GRCh37 (hg19) VCF-style: chr13-32936826-T-C.
Other names: short protein forms Y2658H.
Identifiers: ClinVar variation 186135 (VCV000186135.16), dbSNP rs786202719, ClinGen allele CA025360.

ClinVar aggregate classification (germline): Conflicting classifications of pathogenicity. Review status: criteria provided, conflicting classifications (1 of 4 stars). 2 submissions from 2 submitters: Uncertain significance (1); Likely benign (1). Last evaluated 2025-04-29.

Conditions:
Hereditary cancer-predisposing syndrome. Also called: Hereditary neoplastic syndrome; Neoplastic Syndromes, Hereditary; Tumor predisposition; Hereditary Cancer Syndrome. Identifiers: Orphanet 140162, MedGen C0027672, MeSH D009386, MONDO:0015356.
Hereditary breast ovarian cancer syndrome. Also called: Hereditary breast and ovarian cancer syndrome (HBOC); Breast and ovarian cancer; Hereditary breast and/or ovarian cancer syndrome; BRCA1- and BRCA2-Associated Hereditary Breast and Ovarian Cancer; Hereditary breast and ovarian cancer syndrome; Hereditary breast and ovarian cancer. Identifiers: Orphanet 145, MedGen C0677776, MeSH D061325, MONDO:0003582. Disease mechanism: loss of function.

Submissions (2):

Ambry Genetics
Classification: Likely benign for Hereditary cancer-predisposing syndrome. Last evaluated: 2025-04-29. Review status: criteria provided, single submitter. Criteria: Ambry Variant Classification Scheme 2023. Collection method: clinical testing. Allele origin: germline.

Labcorp Genetics (formerly Invitae), Labcorp
Classification: Uncertain significance for Hereditary breast ovarian cancer syndrome. Last evaluated: 2025-01-22. Review status: criteria provided, single submitter. Criteria: Invitae Variant Classification Sherloc (09022015). Collection method: clinical testing. Allele origin: germline.
Comment: This sequence change replaces tyrosine, which is neutral and polar, with histidine, which is basic and polar, at codon 2658 of the BRCA2 protein (p.Tyr2658His). This variant is not present in population databases (gnomAD no frequency). This variant has not been reported in the literature in individuals affected with BRCA2-related conditions. ClinVar contains an entry for this variant (Variation ID: 186135). Invitae Evidence Modeling of protein sequence and biophysical properties (such as structural, functional, and spatial information, amino acid conservation, physicochemical variation, residue mobility, and thermodynamic stability) indicates that this missense variant is not expected to disrupt BRCA2 protein function with a negative predictive value of 95%. Experimental studies have shown that this missense change does not substantially affect BRCA2 function (PMID: 33609447). In summary, the available evidence is currently insufficient to determine the role of this variant in disease. Therefore, it has been classified as a Variant of Uncertain Significance.

Literature cited by the submitters: PubMed 12228710 (cited by Ambry Genetics); PubMed 38417439 (cited by Ambry Genetics); PubMed 39779848 (cited by Ambry Genetics); PubMed 33609447 (cited by Labcorp Genetics (formerly Invitae), Labcorp).